The following is an entry in ClinVar:

ClinVar aggregate classification (germline): Uncertain significance (1 of 4 stars; one submission).

Conditions:
Cardiovascular phenotype. Identifiers: MedGen CN230736.

gnomAD v4.1: 1 of 1,613,186 alleles (0.000062%); highest among the groups gnomAD compares: African/African-American, 0.0013%; no homozygotes.

Submission:

Ambry Genetics
Classification: Uncertain significance for Cardiovascular phenotype. Last evaluated: 2025-03-23. Review status: criteria provided, single submitter. Criteria: Ambry Variant Classification Scheme 2023. Collection method: clinical testing. Allele origin: germline.
Comment: The p.I171T variant (also known as c.512T>C), located in coding exon 5 of the TBX5 gene, results from a T to C substitution at nucleotide position 512. The isoleucine at codon 171 is replaced by threonine, an amino acid with similar properties. This amino acid position is conserved. In addition, this alteration is predicted to be deleterious by in silico analysis. Based on the available evidence, the clinical significance of this variant remains unclear.

NM_181486.4(TBX5):c.512T>C (p.Ile171Thr)

Gene: TBX5 (T-box transcription factor 5; minus strand). Cytogenetic location: 12q24.21.
Variant type: single nucleotide variant.
Coding change: c.512T>C on transcript NM_181486.4 (MANE Select); coding-DNA position 512, T replaced by C.
Protein change: p.Ile171Thr; replaces isoleucine 171 with threonine.
Molecular consequence: missense variant.
Genome position (GRCh38, 1-based): chr12:114,394,892, A>G on the plus strand (T>C on the coding strand, the complement: TBX5 is on the minus strand). VCF-style: chr12-114394892-A-G. GRCh37 (hg19) VCF-style: chr12-114832697-A-G.
Other names: c.512T>C, p.Ile171Thr (NM_000192.3); c.362T>C, p.Ile121Thr (NM_080717.4); short protein forms I121T, I171T.
Identifiers: ClinVar variation 3966302 (VCV003966302.1).
Genomic context (GRCh38, chr12:114,394,892, plus strand): 5'-TTTTCATCCGCTTTCACGATGTGTAATCTAGGCTGGTATTTGTGCATGGAATTTAGAATA[A>G]TCTAAAAATAATAAAGAAAATGAGATTGTAAGAAAATCAAAACTCCCTTTGTCTCCAGAT-3'
Protein context (NP_852259.1, residues 161-181): TNNHLDPFGH[Ile171Thr]ILNSMHKYQP